The following is an entry in ClinVar:

ClinVar aggregate classification (germline): Uncertain significance (1 of 4 stars; one submission).

Conditions:
Polyglandular autoimmune syndrome, type 1 (APS1). Also called: Autoimmune polyendocrinopathy syndrome, type I; Autoimmune polyendocrinopathy syndrome , type I, with or without reversible metaphyseal dysplasia; AUTOIMMUNE POLYENDOCRINE SYNDROME, TYPE I, WITH OR WITHOUT REVERSIBLE METAPHYSEAL DYSPLASIA; APS I; PGA I; Autoimmune polyendocrine syndrome type 1. Identifiers: Orphanet 3453, MedGen C0085859, MONDO:0009411, OMIM 240300.

Submission:

Labcorp Genetics (formerly Invitae), Labcorp
Classification: Uncertain significance for Polyglandular autoimmune syndrome, type 1. Last evaluated: 2025-12-17. Review status: criteria provided, single submitter. Criteria: Invitae Variant Classification Sherloc (09022015). Collection method: clinical testing. Allele origin: germline.
Comment: This sequence change replaces alanine, which is neutral and non-polar, with threonine, which is neutral and polar, at codon 160 of the AIRE protein (p.Ala160Thr). This variant is not present in population databases (gnomAD no frequency). This variant has not been reported in the literature in individuals affected with AIRE-related conditions. ClinVar contains an entry for this variant (Variation ID: 575967). Invitae Evidence Modeling of protein sequence and biophysical properties (such as structural, functional, and spatial information, amino acid conservation, physicochemical variation, residue mobility, and thermodynamic stability) indicates that this missense variant is not expected to disrupt AIRE protein function with a negative predictive value of 95%. In summary, the available evidence is currently insufficient to determine the role of this variant in disease. Therefore, it has been classified as a Variant of Uncertain Significance.

NM_000383.4(AIRE):c.478G>A (p.Ala160Thr)

Gene: AIRE (autoimmune regulator; plus strand). Cytogenetic location: 21q22.3.
Variant type: single nucleotide variant.
Coding change: c.478G>A on transcript NM_000383.4 (MANE Select); coding-DNA position 478, G replaced by A.
Protein change: p.Ala160Thr; replaces alanine 160 with threonine.
Molecular consequence: missense variant.
Genome position (GRCh38, 1-based): chr21:44,287,531, G>A. VCF-style: chr21-44287531-G-A. GRCh37 (hg19) VCF-style: chr21-45707414-G-A.
Other names: short protein forms A160T.
Identifiers: ClinVar variation 575967 (VCV000575967.8), dbSNP rs1568926733, ClinGen allele CA410423920.